The following is an entry in ClinVar:

ClinVar aggregate classification (germline): Uncertain significance. Review status: criteria provided, multiple submitters, no conflicts (2 of 4 stars). 4 submissions from 4 submitters: Uncertain significance (4). Last evaluated 2026-05-29.

Conditions:
LRP2-related disorder. Also called: LRP2-related condition.
Inborn genetic diseases. Identifiers: MedGen C0950123, MeSH D030342.
Donnai-Barrow syndrome. Also called: DBS/FOAR SYNDROME; FACIOOCULOACOUSTICORENAL SYNDROME. Identifiers: Orphanet 2143, MedGen C1857277, MONDO:0009104, OMIM 222448.

Allele frequency attached by ClinVar (database versions not stated): gnomAD exomes below 0.00001; gnomAD 0.00003 and 0.00004; TOPMed 0.00007.
gnomAD v4.1: 8 of 1,612,574 alleles (0.0005%); highest among the groups gnomAD compares: Admixed American, 0.012%; no homozygotes.

Submissions (4):

PreventionGenetics, part of Exact Sciences
Classification: Uncertain significance for LRP2-related condition. Last evaluated: 2026-05-29. Review status: criteria provided, single submitter. Criteria: ACMG Guidelines, 2015. Collection method: clinical testing. Allele origin: germline.
Comment: The LRP2 c.2530G>A variant is predicted to result in the amino acid substitution p.Asp844Asn. To our knowledge, this variant has not been reported in the literature. This variant is reported in 0.0029% of alleles in individuals of Latino descent in gnomAD. At this time, the clinical significance of this variant is uncertain due to the absence of conclusive functional and genetic evidence.

Ambry Genetics
Classification: Uncertain significance for Inborn genetic diseases. Last evaluated: 2024-10-25. Review status: criteria provided, single submitter. Criteria: Ambry Variant Classification Scheme 2023. Collection method: clinical testing. Allele origin: germline.

Labcorp Genetics (formerly Invitae), Labcorp
Classification: Uncertain significance. Last evaluated: 2023-12-11. Review status: criteria provided, single submitter. Criteria: Invitae Variant Classification Sherloc (09022015). Collection method: clinical testing. Allele origin: germline.
Comment: This sequence change replaces aspartic acid, which is acidic and polar, with asparagine, which is neutral and polar, at codon 844 of the LRP2 protein (p.Asp844Asn). This variant is present in population databases (no rsID available, gnomAD 0.003%). This variant has not been reported in the literature in individuals affected with LRP2-related conditions. ClinVar contains an entry for this variant (Variation ID: 1046519). Advanced modeling of protein sequence and biophysical properties (such as structural, functional, and spatial information, amino acid conservation, physicochemical variation, residue mobility, and thermodynamic stability) performed at Invitae indicates that this missense variant is expected to disrupt LRP2 protein function with a positive predictive value of 80%. In summary, the available evidence is currently insufficient to determine the role of this variant in disease. Therefore, it has been classified as a Variant of Uncertain Significance.

Fulgent Genetics
Classification: Uncertain significance for Donnai-Barrow syndrome. Last evaluated: 2022-01-13. Review status: criteria provided, single submitter. Criteria: ACMG Guidelines, 2015. Collection method: clinical testing. Allele origin: unknown.

NM_004525.3(LRP2):c.2530G>A (p.Asp844Asn)

Gene: LRP2 (LDL receptor related protein 2; minus strand). Cytogenetic location: 2q31.1.
Variant type: single nucleotide variant.
Coding change: c.2530G>A on transcript NM_004525.3 (MANE Select); coding-DNA position 2530, G replaced by A.
Protein change: p.Asp844Asn; replaces aspartic acid 844 with asparagine.
Molecular consequence: missense variant.
Genome position (GRCh38, 1-based): chr2:169,257,233, C>T on the plus strand (G>A on the coding strand, the complement: LRP2 is on the minus strand). VCF-style: chr2-169257233-C-T. GRCh37 (hg19) VCF-style: chr2-170113743-C-T.
Other names: c.2530G>A (NM_004525.2); short protein forms D844N.
Identifiers: ClinVar variation 1046519 (VCV001046519.9), dbSNP rs1478550190, ClinGen allele CA349157125.
Genomic context (GRCh38, chr2:169,257,233, plus strand): 5'-CAGGCAAGAGGTGAGATCCGTCACTCCATGCTCTCATAATTTTAGCAGGACGGAACCAAT[C>T]AGTGAAGAATAGATACCTAGAAAAAGCAGTAGTAAATTAAGGCTGTTAACACTGGGACAA-3'
Protein context (NP_004516.2, residues 834-854): HPFAGYLFFT[Asp844Asn]WFRPAKIMRA